The following is an entry in ClinVar:

NM_001197104.2(KMT2A):c.332G>A (p.Gly111Asp)

Gene: KMT2A (lysine methyltransferase 2A; plus strand). Cytogenetic location: 11q23.3.
Variant type: single nucleotide variant.
Coding change: c.332G>A on transcript NM_001197104.2 (MANE Select); coding-DNA position 332, G replaced by A.
Protein change: p.Gly111Asp; replaces glycine 111 with aspartic acid.
Molecular consequence: missense variant.
Genome position (GRCh38, 1-based): chr11:118,436,844, G>A. VCF-style: chr11-118436844-G-A. GRCh37 (hg19) VCF-style: chr11-118307559-G-A.
Other names: c.332G>A, p.Gly111Asp (NM_005933.4); short protein forms G111D.
Identifiers: ClinVar variation 1354296 (VCV001354296.6), dbSNP rs1555138772, ClinGen allele CA382798286.

ClinVar aggregate classification (germline): Uncertain significance (1 of 4 stars; one submission).

Submission:

Labcorp Genetics (formerly Invitae), Labcorp
Classification: Uncertain significance. Last evaluated: 2021-12-01. Review status: criteria provided, single submitter. Criteria: Invitae Variant Classification Sherloc (09022015). Collection method: clinical testing. Allele origin: germline.
Comment: This sequence change replaces glycine, which is neutral and non-polar, with aspartic acid, which is acidic and polar, at codon 111 of the KMT2A protein (p.Gly111Asp). This variant is not present in population databases (gnomAD no frequency). This variant has not been reported in the literature in individuals affected with KMT2A-related conditions. Advanced modeling of protein sequence and biophysical properties (such as structural, functional, and spatial information, amino acid conservation, physicochemical variation, residue mobility, and thermodynamic stability) performed at Invitae indicates that this missense variant is expected to disrupt KMT2A protein function. In summary, the available evidence is currently insufficient to determine the role of this variant in disease. Therefore, it has been classified as a Variant of Uncertain Significance.